The following is an entry in ClinVar:

ClinVar aggregate classification (germline): Pathogenic/Likely pathogenic. Review status: criteria provided, multiple submitters, no conflicts (2 of 4 stars). 3 submissions from 3 submitters: Pathogenic (2); Likely pathogenic (1). Last evaluated 2025-03-10.

Conditions:
Bethlem myopathy 1A. Also called: Bethlem Muscular Dystrophy; Bethlem myopathy 1; MYOPATHY, BENIGN CONGENITAL, WITH CONTRACTURES. Identifiers: Orphanet 610, MedGen CN029274, MONDO:0024530, OMIM 158810.

Allele frequency attached by ClinVar (database versions not stated): gnomAD exomes below 0.00001; gnomAD 0.00001.
gnomAD v4.1: 2 of 1,601,956 alleles (0.00012%); highest among the groups gnomAD compares: African/African-American, 0.0013%; no homozygotes.

Submissions (3):

Labcorp Genetics (formerly Invitae), Labcorp
Classification: Pathogenic for Bethlem myopathy 1A. Last evaluated: 2025-03-10. Review status: criteria provided, single submitter. Criteria: Invitae Variant Classification Sherloc (09022015). Collection method: clinical testing. Allele origin: germline.
Comment: This sequence change creates a premature translational stop signal (p.Arg565*) in the COL6A1 gene. It is expected to result in an absent or disrupted protein product. Loss-of-function variants in COL6A1 are known to be pathogenic (PMID: 19884007, 20976770). This variant is present in population databases (no rsID available, gnomAD 0.007%). This premature translational stop signal has been observed in individual(s) with clinical features of autosomal recessive COL6A1-related conditions (PMID: 31130284). ClinVar contains an entry for this variant (Variation ID: 596692). For these reasons, this variant has been classified as Pathogenic.

AiLife Diagnostics
Classification: Likely pathogenic. Last evaluated: 2021-04-12. Review status: criteria provided, single submitter. Criteria: ACMG Guidelines, 2015. Collection method: clinical testing. Allele origin: germline. Affected: yes. Observed: 1 variant allele.

Eurofins Ntd Llc (ga)
Classification: Pathogenic. Last evaluated: 2018-04-04. Review status: criteria provided, single submitter. Criteria: EGL ClinVar v180209 classification definitions. Collection method: clinical testing. Allele origin: germline. Observed: 1 variant allele, 1 homozygote.

Literature cited by the submitters: PubMed 19884007 (cited by Labcorp Genetics (formerly Invitae), Labcorp); PubMed 20976770 (cited by Labcorp Genetics (formerly Invitae), Labcorp); PubMed 31130284 (cited by Labcorp Genetics (formerly Invitae), Labcorp and AiLife Diagnostics).

NM_001848.3(COL6A1):c.1693C>T (p.Arg565Ter)

Gene: COL6A1 (collagen type VI alpha 1 chain; plus strand). Cytogenetic location: 21q22.3.
Variant type: single nucleotide variant.
Coding change: c.1693C>T on transcript NM_001848.3 (MANE Select); coding-DNA position 1693, C replaced by T.
Protein change: p.Arg565Ter; replaces arginine 565 with a stop codon.
Molecular consequence: nonsense.
Genome position (GRCh38, 1-based): chr21:45,999,171, C>T. VCF-style: chr21-45999171-C-T. GRCh37 (hg19) VCF-style: chr21-47419085-C-T.
Other names: short protein forms R565*.
Identifiers: ClinVar variation 596692 (VCV000596692.7), dbSNP rs1304888945, ClinGen allele CA410530794.